The following is an entry in ClinVar:

NM_000390.4(CHM):c.931G>C (p.Glu311Gln)

Gene: CHM (CHM Rab escort protein; minus strand). Cytogenetic location: Xq21.2.
Variant type: single nucleotide variant.
Coding change: c.931G>C on transcript NM_000390.4 (MANE Select); coding-DNA position 931, G replaced by C.
Protein change: p.Glu311Gln; replaces glutamic acid 311 with glutamine.
Molecular consequence: missense variant.
Genome position (GRCh38, 1-based): chrX:85,957,864, C>G on the plus strand (G>C on the coding strand, the complement: CHM is on the minus strand). VCF-style: chrX-85957864-C-G. GRCh37 (hg19) VCF-style: chrX-85212869-C-G.
Other names: c.487G>C, p.Glu163Gln (NM_001320959.1, NM_001362517.1, NM_001362518.2 and 1 more transcripts); short protein forms E163Q, E311Q.
Identifiers: ClinVar variation 2160025 (VCV002160025.4), dbSNP rs2520257538, ClinGen allele CA413785664.

ClinVar aggregate classification (germline): Uncertain significance (1 of 4 stars; one submission).

Submission:

Labcorp Genetics (formerly Invitae), Labcorp
Classification: Uncertain significance. Last evaluated: 2025-10-21. Review status: criteria provided, single submitter. Criteria: Invitae Variant Classification Sherloc (09022015). Collection method: clinical testing. Allele origin: germline.
Comment: This sequence change replaces glutamic acid, which is acidic and polar, with glutamine, which is neutral and polar, at codon 311 of the CHM protein (p.Glu311Gln). This variant is not present in population databases (gnomAD no frequency). This variant has not been reported in the literature in individuals affected with CHM-related conditions. ClinVar contains an entry for this variant (Variation ID: 2160025). Invitae Evidence Modeling of protein sequence and biophysical properties (such as structural, functional, and spatial information, amino acid conservation, physicochemical variation, residue mobility, and thermodynamic stability) indicates that this missense variant is not expected to disrupt CHM protein function with a negative predictive value of 80%. In summary, the available evidence is currently insufficient to determine the role of this variant in disease. Therefore, it has been classified as a Variant of Uncertain Significance.